The following is an entry in ClinVar:

NM_004281.4(BAG3):c.1190C>T (p.Ala397Val)

Gene: BAG3 (BAG cochaperone 3; plus strand). Cytogenetic location: 10q26.11.
Variant type: single nucleotide variant.
Coding change: c.1190C>T on transcript NM_004281.4 (MANE Select); coding-DNA position 1190, C replaced by T.
Protein change: p.Ala397Val; replaces alanine 397 with valine.
Molecular consequence: missense variant.
Genome position (GRCh38, 1-based): chr10:119,676,744, C>T. VCF-style: chr10-119676744-C-T. GRCh37 (hg19) VCF-style: chr10-121436256-C-T.
Other names: short protein forms A397V.
Identifiers: ClinVar variation 4795034 (VCV004795034.1).

ClinVar aggregate classification (germline): Uncertain significance (1 of 4 stars; one submission).

Conditions:
Myofibrillar myopathy 6. Identifiers: Orphanet 199340, MedGen C2751831, MONDO:0013061, OMIM 612954.
Dilated cardiomyopathy 1HH (CMD1HH). Identifiers: Orphanet 154, MedGen C3151293, MONDO:0013479, OMIM 613881.

gnomAD v4.1: 1 of 1,614,114 alleles (0.000062%); highest among the groups gnomAD compares: Non-Finnish European, 0.000085%; no homozygotes.

Submission:

Labcorp Genetics (formerly Invitae), Labcorp
Classification: Uncertain significance for Dilated cardiomyopathy 1HH; Myofibrillar myopathy 6. Last evaluated: 2025-10-19. Review status: criteria provided, single submitter. Criteria: Invitae Variant Classification Sherloc (09022015). Collection method: clinical testing. Allele origin: germline.
Comment: This sequence change replaces alanine, which is neutral and non-polar, with valine, which is neutral and non-polar, at codon 397 of the BAG3 protein (p.Ala397Val). This variant is not present in population databases (gnomAD no frequency). This variant has not been reported in the literature in individuals affected with BAG3-related conditions. Invitae Evidence Modeling of protein sequence and biophysical properties (such as structural, functional, and spatial information, amino acid conservation, physicochemical variation, residue mobility, and thermodynamic stability) indicates that this missense variant is not expected to disrupt BAG3 protein function with a negative predictive value of 80%. In summary, the available evidence is currently insufficient to determine the role of this variant in disease. Therefore, it has been classified as a Variant of Uncertain Significance.